The following is an entry in ClinVar:

ClinVar aggregate classification (germline): Likely benign. Review status: criteria provided, multiple submitters, no conflicts (2 of 4 stars). 3 submissions from 3 submitters: Likely benign (3). Last evaluated 2024-07-01.

Conditions:
Familial thoracic aortic aneurysm and aortic dissection (TAAD). Also called: Thoracic aortic aneurysms and dissections. Identifiers: Orphanet 91387, MedGen C4707243, MONDO:0019625.
Congenital contractural arachnodactyly (CCA). Also called: BEALS SYNDROME; Beals-Hecht syndrome; Arthrogryposis, distal, type 9. Identifiers: Orphanet 115, MedGen C0220668, MONDO:0007363, OMIM 121050.

Allele frequency attached by ClinVar (database versions not stated): TOPMed 0.00004.
gnomAD v4.1: 24 of 1,614,110 alleles (0.0015%); highest among the groups gnomAD compares: African/African-American, 0.012%; no homozygotes.

Submissions (3):

Labcorp Genetics (formerly Invitae), Labcorp
Classification: Likely benign for Congenital contractural arachnodactyly. Last evaluated: 2024-07-01. Review status: criteria provided, single submitter. Criteria: Invitae Variant Classification Sherloc (09022015). Collection method: clinical testing. Allele origin: germline.

Ambry Genetics
Classification: Likely benign for Familial thoracic aortic aneurysm and aortic dissection. Last evaluated: 2023-04-11. Review status: criteria provided, single submitter. Criteria: Ambry Variant Classification Scheme 2023. Collection method: clinical testing. Allele origin: germline.

GeneDx
Classification: Likely benign. Last evaluated: 2016-11-16. Review status: criteria provided, single submitter. Criteria: GeneDx Variant Classification (06012015). Collection method: clinical testing. Allele origin: germline. Affected: yes.
Comment: This variant is considered likely benign or benign based on one or more of the following criteria: it is a conservative change, it occurs at a poorly conserved position in the protein, it is predicted to be benign by multiple in silico algorithms, and/or has population frequency not consistent with disease.

NM_001999.4(FBN2):c.8082C>T (p.His2694=)

Gene: FBN2 (fibrillin 2; minus strand). Cytogenetic location: 5q23.3.
Variant type: single nucleotide variant.
Coding change: c.8082C>T on transcript NM_001999.4 (MANE Select); coding-DNA position 8082, C replaced by T.
Protein change: p.His2694=; no amino-acid change (histidine 2694 retained).
Molecular consequence: synonymous variant.
Genome position (GRCh38, 1-based): chr5:128,263,535, G>A on the plus strand (C>T on the coding strand, the complement: FBN2 is on the minus strand). VCF-style: chr5-128263535-G-A. GRCh37 (hg19) VCF-style: chr5-127599227-G-A.
Identifiers: ClinVar variation 390822 (VCV000390822.13), dbSNP rs142755118, ClinGen allele CA3393933.